The following is an entry in ClinVar:

ClinVar aggregate classification (germline): Likely pathogenic. Review status: criteria provided, multiple submitters, no conflicts (2 of 4 stars). 2 submissions from 2 submitters: Likely pathogenic (2). Last evaluated 2025-04-03.

Conditions:
Mucopolysaccharidosis type 1. Also called: IDUA deficiency; MPS I; Mucopolysaccharidosis Type I. Identifiers: Orphanet 579, MedGen C0023786, MONDO:0001586.
Hurler syndrome. Also called: Gargoylism, Hurler Syndrome; MUCOPOLYSACCHARIDOSIS TYPE IH; Severe MPS I (Hurler Syndrome). Identifiers: Orphanet 93473, MedGen C0086795, MONDO:0011758, OMIM 607014.

Submissions (2):

Foundation for Research in Genetics and Endocrinology, FRIGE's Institute of Human Genetics
Classification: Likely pathogenic for Hurler syndrome. Last evaluated: 2025-04-03. Review status: criteria provided, single submitter. Criteria: ACMG Guidelines, 2015. Collection method: clinical testing. Allele origin: germline. Inheritance: Autosomal recessive inheritance. Affected: yes. Observed: 1 compound heterozygote.
Comment: A heterozygous 5’splice site variation in intron 10 of the IDUA gene that affects the invariant AG acceptor splice site upstream of exon 11 was detected. The observed variant c.1525-2A>C has not been reported in the gnomAD databases. The variant has previously been reported in patients with MPS-I (PMID: 31473686). The in-silico prediction of the variant is disease causing by MutationTaster, DANN and spliceAI. In summary, the variant meets our criteria to be classified as likely pathogenic.

Labcorp Genetics (formerly Invitae), Labcorp
Classification: Likely pathogenic for Mucopolysaccharidosis type 1. Last evaluated: 2023-03-03. Review status: criteria provided, single submitter. Criteria: Invitae Variant Classification Sherloc (09022015). Collection method: clinical testing. Allele origin: germline.
Comment: ClinVar contains an entry for this variant (Variation ID: 1520186). This variant has not been reported in the literature in individuals affected with IDUA-related conditions. This variant is not present in population databases (gnomAD no frequency). This sequence change affects an acceptor splice site in intron 10 of the IDUA gene. It is expected to disrupt RNA splicing. Variants that disrupt the donor or acceptor splice site typically lead to a loss of protein function (PMID: 16199547), and loss-of-function variants in IDUA are known to be pathogenic (PMID: 11735025, 21480867). Algorithms developed to predict the effect of sequence changes on RNA splicing suggest that this variant may disrupt the consensus splice site. In summary, the currently available evidence indicates that the variant is pathogenic, but additional data are needed to prove that conclusively. Therefore, this variant has been classified as Likely Pathogenic.

Literature cited by the submitters: PubMed 31473686 (cited by Foundation for Research in Genetics and Endocrinology, FRIGE's Institute of Human Genetics); PubMed 16199547 (cited by Labcorp Genetics (formerly Invitae), Labcorp); PubMed 11735025 (cited by Labcorp Genetics (formerly Invitae), Labcorp); PubMed 21480867 (cited by Labcorp Genetics (formerly Invitae), Labcorp).

NM_000203.5(IDUA):c.1525-2A>C

Gene: IDUA (alpha-L-iduronidase; plus strand). Cytogenetic location: 4p16.3.
Variant type: single nucleotide variant.
Coding change: c.1525-2A>C on transcript NM_000203.5 (MANE Select); the canonical splice acceptor site of the intron before coding-DNA position 1525, A replaced by C.
Molecular consequence: splice acceptor variant.
Genome position (GRCh38, 1-based): chr4:1,003,343, A>C. VCF-style: chr4-1003343-A-C. GRCh37 (hg19) VCF-style: chr4-997131-A-C.
Other names: c.1129-2A>C (NM_001363576.1).
Identifiers: ClinVar variation 1520186 (VCV001520186.7), dbSNP rs2153022881, ClinGen allele CA355964856.